The following is an entry in ClinVar:

NM_033118.4(MYLK2):c.1377C>A (p.Ile459=)

Gene: MYLK2 (myosin light chain kinase 2; plus strand). Cytogenetic location: 20q11.21.
Variant type: single nucleotide variant.
Coding change: c.1377C>A on transcript NM_033118.4 (MANE Select); coding-DNA position 1377, C replaced by A.
Protein change: p.Ile459=; no amino-acid change (isoleucine 459 retained).
Molecular consequence: synonymous variant.
Genome position (GRCh38, 1-based): chr20:31,831,094, C>A. VCF-style: chr20-31831094-C-A. GRCh37 (hg19) VCF-style: chr20-30418897-C-A.
Other names: c.1377C>A (NM_033118.3).
Identifiers: ClinVar variation 1136614 (VCV001136614.11), dbSNP rs751829959, ClinGen allele CA9803194.

ClinVar aggregate classification (germline): Likely benign. Review status: criteria provided, single submitter (1 of 4 stars). 2 submissions from 2 submitters: Likely benign (1). 1 of the submissions does not count toward it. Last evaluated 2025-11-09.

Conditions:
Hypertrophic cardiomyopathy 1 (CMH1). Also called: MYH7-Related Familial Hypertrophic Cardiomyopathy; Familial hypertrophic cardiomyopathy 1. Identifiers: MedGen C3495498, MONDO:0008647, OMIM 192600.
MYLK2-related disorder. Also called: MYLK2-related condition.

Allele frequency attached by ClinVar (database versions not stated): ExAC 0.00002; gnomAD 0.00004; TOPMed 0.00004; gnomAD exomes 0.00005.

Submissions (2):

Labcorp Genetics (formerly Invitae), Labcorp
Classification: Likely benign for Hypertrophic cardiomyopathy 1. Last evaluated: 2025-11-09. Review status: criteria provided, single submitter. Criteria: Invitae Variant Classification Sherloc (09022015). Collection method: clinical testing. Allele origin: germline.

PreventionGenetics, part of Exact Sciences
Classification: Likely benign for MYLK2-related condition. Last evaluated: 2022-03-22. Review status: no assertion criteria provided. Collection method: clinical testing. Allele origin: germline. Not counted in ClinVar's aggregate classification.
Comment: This variant is classified as likely benign based on ACMG/AMP sequence variant interpretation guidelines (Richards et al. 2015 PMID: 25741868, with internal and published modifications).